The following is an entry in ClinVar:

ClinVar aggregate classification (germline): Uncertain significance. Review status: criteria provided, multiple submitters, no conflicts (2 of 4 stars). 3 submissions from 3 submitters: Uncertain significance (3). Last evaluated 2025-11-24.

Conditions:
Inborn genetic diseases. Identifiers: MedGen C0950123, MeSH D030342.
MHC class II deficiency. Also called: Bare lymphocyte syndrome 2; BLS, TYPE II. Identifiers: Orphanet 572, MedGen C5447452, MONDO:0008855.

Allele frequency attached by ClinVar (database versions not stated): ExAC 0.00002; gnomAD exomes 0.00003 and 0.00007; gnomAD 0.00005; TOPMed 0.00005; ESP Exome Variant Server 0.00008.
gnomAD v4.1: 100 of 1,614,048 alleles (0.0062%); highest among the groups gnomAD compares: Non-Finnish European, 0.0083%; no homozygotes.

Submissions (3):

Ambry Genetics
Classification: Uncertain significance for Inborn genetic diseases. Last evaluated: 2025-11-24. Review status: criteria provided, single submitter. Criteria: Ambry Variant Classification Scheme 2023. Collection method: clinical testing. Allele origin: germline.

Labcorp Genetics (formerly Invitae), Labcorp
Classification: Uncertain significance for MHC class II deficiency. Last evaluated: 2022-08-23. Review status: criteria provided, single submitter. Criteria: Invitae Variant Classification Sherloc (09022015). Collection method: clinical testing. Allele origin: germline.
Comment: This sequence change replaces serine, which is neutral and polar, with phenylalanine, which is neutral and non-polar, at codon 60 of the RFXANK protein (p.Ser60Phe). This variant is present in population databases (rs142461365, gnomAD 0.006%). This variant has not been reported in the literature in individuals affected with RFXANK-related conditions. ClinVar contains an entry for this variant (Variation ID: 892111). Algorithms developed to predict the effect of missense changes on protein structure and function (SIFT, PolyPhen-2, Align-GVGD) all suggest that this variant is likely to be tolerated. In summary, the available evidence is currently insufficient to determine the role of this variant in disease. Therefore, it has been classified as a Variant of Uncertain Significance.

Illumina Laboratory Services, Illumina
Classification: Uncertain significance for MHC class II deficiency 1. Last evaluated: 2018-01-12. Review status: criteria provided, single submitter. Criteria: ICSL Variant Classification Criteria 13 December 2019. Collection method: clinical testing. Allele origin: germline.

NM_003721.4(RFXANK):c.179C>T (p.Ser60Phe)

Gene: RFXANK (regulatory factor X associated ankyrin containing protein; plus strand). Cytogenetic location: 19p13.11.
Variant type: single nucleotide variant.
Coding change: c.179C>T on transcript NM_003721.4 (MANE Select); coding-DNA position 179, C replaced by T.
Protein change: p.Ser60Phe; replaces serine 60 with phenylalanine.
Molecular consequence: missense variant.
Genome position (GRCh38, 1-based): chr19:19,194,125, C>T. VCF-style: chr19-19194125-C-T. GRCh37 (hg19) VCF-style: chr19-19304934-C-T.
Other names: c.179C>T, p.Ser60Phe (NM_001278727.2, NM_001278728.2, NM_001370233.1 and 6 more transcripts); c.179C>T (NM_003721.2); short protein forms S60F.
Identifiers: ClinVar variation 892111 (VCV000892111.11), dbSNP rs142461365, ClinGen allele CA9322607.
Genomic context (GRCh38, chr19:19,194,125, plus strand): 5'-TCAGTCTCTTTCCCTGCACCCCTGAGCCTGTGAATCCTGAACCGGATGCCAGTGTTTCCT[C>T]TCCACAGGGTAGGATACCTCCTCTGGGATTAGCCCTCTGGGATTCCATGATGATGGAATG-3'
Protein context (NP_003712.1, residues 50-70): VNPEPDASVS[Ser60Phe]PQAGSSLKHS